The following is an entry in ClinVar:

NM_000540.3(RYR1):c.9223C>G (p.Leu3075Val)

Gene: RYR1 (ryanodine receptor 1; plus strand). Cytogenetic location: 19q13.2.
Variant type: single nucleotide variant.
Coding change: c.9223C>G on transcript NM_000540.3 (MANE Select); coding-DNA position 9223, C replaced by G.
Protein change: p.Leu3075Val; replaces leucine 3075 with valine.
Molecular consequence: missense variant.
Genome position (GRCh38, 1-based): chr19:38,512,122, C>G. VCF-style: chr19-38512122-C-G. GRCh37 (hg19) VCF-style: chr19-39002762-C-G.
Other names: c.9223C>G, p.Leu3075Val (NM_001042723.2); c.9223C>G (NM_000540.2); short protein forms L3075V.
Identifiers: ClinVar variation 1443506 (VCV001443506.14), dbSNP rs892645913, ClinGen allele CA308124710.

ClinVar aggregate classification (germline): Uncertain significance. Review status: criteria provided, multiple submitters, no conflicts (2 of 4 stars). 5 submissions from 5 submitters: Uncertain significance (5). Last evaluated 2025-12-09.

Conditions:
RYR1-related myopathy. Identifiers: Orphanet 98742, MedGen CN305348, MONDO:0100150.
RYR1-related disorder. Also called: RYR1-related disorders; RYR1-related condition. Identifiers: MedGen CN239331.
Malignant hyperthermia, susceptibility to, 1 (MHS1). Also called: RYR1-Related Malignant Hyperthermia Susceptibility; Anesthesia related hyperthermia; Malignant hyperpyrexia; Fulminating hyperpyrexia; Pharmacogenic myopathy; Malignant hyperthermia suceptibility 1. Identifiers: Orphanet 423, MedGen C2930980, MONDO:0007783, OMIM 145600.

Allele frequency attached by ClinVar (database versions not stated): gnomAD 0.00001; gnomAD exomes 0.00001; TOPMed 0.00002.
gnomAD v4.1: 6 of 1,614,086 alleles (0.00037%); highest among the groups gnomAD compares: Admixed American, 0.0033%; no homozygotes.

Submissions (5):

Dasa
Classification: Uncertain significance for RYR1-related myopathy. Last evaluated: 2025-12-09. Review status: criteria provided, single submitter. Criteria: DASA Assertion Criteria. Collection method: clinical testing. Allele origin: germline.
Comment: NM_000540.3(RYR1):c.9223C>G (p.Leu3075Val) is a missense variant that results in the substitution of leucine with valine. This variant is rare in population databases. The currently available literature and clinical evidence are not sufficient to establish a definitive association between this variant and the reported condition. Therefore, this variant is classified as a variant of uncertain significance.

CeGaT Center for Human Genetics Tuebingen
Classification: Uncertain significance. Last evaluated: 2025-10-01. Review status: criteria provided, single submitter. Criteria: CeGaT Center For Human Genetics Tuebingen Variant Classification Criteria Version 2. Collection method: clinical testing. Allele origin: germline. Affected: yes. Observed: 1 variant allele.
Comment: RYR1: PM2

Color Diagnostics, LLC DBA Color Health
Classification: Uncertain significance for Malignant hyperthermia, susceptibility to, 1. Last evaluated: 2025-07-20. Review status: criteria provided, single submitter. Criteria: ACMG Guidelines, 2015. Collection method: clinical testing. Allele origin: germline.
Comment: This missense variant replaces leucine with valine at codon 3075 of the RYR1 protein. Computational prediction is inconclusive regarding the impact of this variant on protein structure and function. To our knowledge, functional studies have not been reported for this variant. This variant has not been reported in individuals affected with RYR1-related disorders in the literature. This variant has been identified in 1/251364 chromosomes in the general population by the Genome Aggregation Database (gnomAD). The available evidence is insufficient to determine the role of this variant in disease conclusively. Therefore, this variant is classified as a Variant of Uncertain Significance.

Labcorp Genetics (formerly Invitae), Labcorp
Classification: Uncertain significance for RYR1-related disorder. Last evaluated: 2024-05-07. Review status: criteria provided, single submitter. Criteria: Invitae Variant Classification Sherloc (09022015). Collection method: clinical testing. Allele origin: germline.
Comment: This sequence change replaces leucine, which is neutral and non-polar, with valine, which is neutral and non-polar, at codon 3075 of the RYR1 protein (p.Leu3075Val). This variant is present in population databases (no rsID available, gnomAD no frequency). This variant has not been reported in the literature in individuals affected with RYR1-related conditions. ClinVar contains an entry for this variant (Variation ID: 1443506). Advanced modeling of protein sequence and biophysical properties (such as structural, functional, and spatial information, amino acid conservation, physicochemical variation, residue mobility, and thermodynamic stability) has been performed at Invitae for this missense variant, however the output from this modeling did not meet the statistical confidence thresholds required to predict the impact of this variant on RYR1 protein function. In summary, the available evidence is currently insufficient to determine the role of this variant in disease. Therefore, it has been classified as a Variant of Uncertain Significance.

GeneDx
Classification: Uncertain significance. Last evaluated: 2023-07-23. Review status: criteria provided, single submitter. Criteria: GeneDx Variant Classification Process June 2021. Collection method: clinical testing. Allele origin: germline. Affected: yes.
Comment: Not observed at significant frequency in large population cohorts (gnomAD); In silico analysis supports that this missense variant does not alter protein structure/function; Has not been previously published as pathogenic or benign to our knowledge; This variant is associated with the following publications: (PMID: 12668474)